The following is an entry in ClinVar:

NM_000268.4(NF2):c.1262A>T (p.Glu421Val)

Gene: NF2 (NF2, moesin-ezrin-radixin like (MERLIN) tumor suppressor; plus strand). Cytogenetic location: 22q12.2.
Variant type: single nucleotide variant.
Coding change: c.1262A>T on transcript NM_000268.4 (MANE Select); coding-DNA position 1262, A replaced by T.
Protein change: p.Glu421Val; replaces glutamic acid 421 with valine.
Molecular consequence: missense variant. On other transcripts: intron variant (1).
Genome position (GRCh38, 1-based): chr22:29,673,408, A>T. VCF-style: chr22-29673408-A-T. GRCh37 (hg19) VCF-style: chr22-30069397-A-T.
Other names: c.1013A>T, p.Glu338Val (NM_181831.3, NM_181830.3, NM_001407063.1 and 1 more transcripts); c.1139A>T, p.Glu380Val (NM_181829.3, NM_001407054.1, NM_001407058.1); c.1262A>T, p.Glu421Val (NM_181832.3, NM_181825.3, NM_001407060.1 and 2 more transcripts); c.448-21344A>T (NM_181833.3); c.1136A>T, p.Glu379Val (NM_181828.3, NM_001407055.1); c.1148A>T, p.Glu383Val (NM_001407053.1, NM_001407056.1); c.1127A>T, p.Glu376Val (NM_001407057.1, NM_001407059.1); c.1004A>T, p.Glu335Val (NM_001407062.1); and 2 more; short protein forms E335V, E376V, E379V, E380V, E243V, E421V, E344V, E338V.
Identifiers: ClinVar variation 4661486 (VCV004661486.1).

ClinVar aggregate classification (germline): Uncertain significance (1 of 4 stars; one submission).

Conditions:
Hereditary cancer-predisposing syndrome. Also called: Neoplastic Syndromes, Hereditary; Tumor predisposition; Hereditary Cancer Syndrome; Hereditary neoplastic syndrome. Identifiers: Orphanet 140162, MedGen C0027672, MeSH D009386, MONDO:0015356.

Submission:

Ambry Genetics
Classification: Uncertain significance for Hereditary cancer-predisposing syndrome. Last evaluated: 2025-10-27. Review status: criteria provided, single submitter. Criteria: Ambry Variant Classification Scheme 2023. Collection method: clinical testing. Allele origin: germline.
Comment: The p.E421V variant (also known as c.1262A>T), located in coding exon 12 of the NF2 gene, results from an A to T substitution at nucleotide position 1262. The glutamic acid at codon 421 is replaced by valine, an amino acid with dissimilar properties. This amino acid position is conserved. In addition, this alteration is predicted to be deleterious by in silico analysis. Based on the available evidence, the clinical significance of this variant remains unclear.